The following is an entry in ClinVar:

ClinVar aggregate classification (germline): Uncertain significance. Review status: criteria provided, multiple submitters, no conflicts (2 of 4 stars). 2 submissions from 2 submitters: Uncertain significance (2). Last evaluated 2025-09-30.

Conditions:
FYB1-related disorder. Also called: FYB1-related condition.

Allele frequency attached by ClinVar (database versions not stated): gnomAD exomes 0.00009; TOPMed 0.00005; gnomAD 0.00006; ExAC 0.00007; ESP Exome Variant Server 0.00008.
gnomAD v4.1: 145 of 1,613,896 alleles (0.009%); highest among the groups gnomAD compares: Middle Eastern, 0.033%; no homozygotes.

Submissions (2):

PreventionGenetics, part of Exact Sciences
Classification: Uncertain significance for FYB1-related condition. Last evaluated: 2025-09-30. Review status: criteria provided, single submitter. Criteria: ACMG Guidelines, 2015. Collection method: clinical testing. Allele origin: germline.
Comment: The FYB1 c.1113C>G variant is predicted to result in the amino acid substitution p.Asn371Lys. To our knowledge, this variant has not been reported in the literature. This variant is reported in 0.013% of alleles in individuals of European (Non-Finnish) descent in gnomAD. At this time, the clinical significance of this variant is uncertain due to the absence of conclusive functional and genetic evidence.

Ambry Genetics
Classification: Uncertain significance. Last evaluated: 2025-08-26. Review status: criteria provided, single submitter. Criteria: Ambry Variant Classification Scheme 2023. Collection method: clinical testing. Allele origin: germline.

NM_001465.6(FYB1):c.1083C>G (p.Asn361Lys)

Gene: FYB1 (FYN binding protein 1; minus strand). Cytogenetic location: 5p13.1.
Variant type: single nucleotide variant.
Coding change: c.1083C>G on transcript NM_001465.6 (MANE Select); coding-DNA position 1083, C replaced by G.
Protein change: p.Asn361Lys; replaces asparagine 361 with lysine.
Molecular consequence: missense variant.
Genome position (GRCh38, 1-based): chr5:39,201,878, G>C on the plus strand (C>G on the coding strand, the complement: FYB1 is on the minus strand). VCF-style: chr5-39201878-G-C. GRCh37 (hg19) VCF-style: chr5-39201980-G-C.
Other names: c.1113C>G, p.Asn371Lys (NM_001243093.2, NM_018594.2); c.1083C>G, p.Asn361Lys (NM_001349333.2, NM_199335.5); c.1113C>G (NM_001243093.1); short protein forms N361K, N371K.
Identifiers: ClinVar variation 3097579 (VCV003097579.3), dbSNP rs370543746, ClinGen allele CA3246345.